The following is an entry in ClinVar:

ClinVar aggregate classification (germline): Pathogenic/Likely pathogenic. Review status: criteria provided, multiple submitters, no conflicts (2 of 4 stars). 6 submissions from 6 submitters: Pathogenic (2); Likely pathogenic (4). Last evaluated 2026-01-20.

Conditions:
Glutaric acidemia type 2C.
Multiple acyl-CoA dehydrogenase deficiency (MADD). Also called: Glutaric Acidemia type 2; ETHYLMALONIC-ADIPICACIDURIA; GA II; Glutaric acidemia type II; GA 2; Glutaric aciduria, type 2. Identifiers: Orphanet 26791, MedGen C0268596, MONDO:0009282, OMIM 231680.

Allele frequency attached by ClinVar (database versions not stated): gnomAD 0.00003; gnomAD exomes below 0.00001; TOPMed 0.00002.
gnomAD v4.1: 15 of 1,611,362 alleles (0.00093%); highest among the groups gnomAD compares: Admixed American, 0.013%; no homozygotes.

Submissions (6):

Labcorp Genetics (formerly Invitae), Labcorp
Classification: Pathogenic for Multiple acyl-CoA dehydrogenase deficiency. Last evaluated: 2026-01-20. Review status: criteria provided, single submitter. Criteria: Invitae Variant Classification Sherloc (09022015). Collection method: clinical testing. Allele origin: germline.
Comment: This sequence change falls in intron 3 of the ETFDH gene. It does not directly change the encoded amino acid sequence of the ETFDH protein. It affects a nucleotide within the consensus splice site. This variant is present in population databases (rs796051965, gnomAD 0.004%). This variant has been observed in individual(s) with clinical features of multiple acyl-CoA dehydrogenase deficiency (PMID: 15669683; internal data). In at least one individual the data is consistent with being in trans (on the opposite chromosome) from a pathogenic variant. This variant is also known as IVS3+3A>T. ClinVar contains an entry for this variant (Variation ID: 203730). Variants that disrupt the consensus splice site are a relatively common cause of aberrant splicing (PMID: 17576681, 9536098). Algorithms developed to predict the effect of sequence changes on RNA splicing suggest that this variant may disrupt the consensus splice site. For these reasons, this variant has been classified as Pathogenic.

Natera, Inc.
Classification: Likely pathogenic for Glutaric acidemia type 2C. Last evaluated: 2025-11-10. Review status: criteria provided, single submitter. Criteria: Natera Variant Classification Schema (03/2026). Collection method: clinical testing. Allele origin: germline.
Comment: The c.405+3A>T variant in ETFDH is an intronic variant located outside the canonical splice sites. This variant is rare in the general population with a frequency below the threshold expected for the associated phenotype(s). This variant has been observed in one or more individuals affected with the associated recessive disease, as either homozygous or compound heterozygous with a second variant (PMID: 15669683). Functional studies show that this variant may disrupt protein function (PMID: 15669683). Computational prediction algorithms indicate this variant is likely to affect gene or protein function. Given the available evidence, this variant is classified as Likely Pathogenic.

Dasa
Classification: Likely pathogenic. Last evaluated: 2025-05-15. Review status: criteria provided, single submitter. Criteria: DASA Assertion Criteria. Collection method: clinical testing. Allele origin: germline.
Comment: NM_004453.4(ETFDH):c.405+3A>T is a splice-region variant predicted to affect normal RNA splicing. This variant affects a splice-region context with prior evidence supporting clinical relevance. This variant has been recurrently observed in individuals with ETFDH-related disorders (PMID: 15669683; PMID: 31418342). Functional evidence supports an impact on the gene or gene product (PMID: 15669683; PMID: 31418342). Also, this variant is rare in population databases. Computational evidence supports a deleterious effect. Based on the currently available evidence, this variant is classified as likely pathogenic.

Women's Health and Genetics/Laboratory Corporation of America, LabCorp
Classification: Likely pathogenic for Multiple acyl-CoA dehydrogenase deficiency. Last evaluated: 2024-04-09. Review status: criteria provided, single submitter. Criteria: LabCorp Variant Classification Summary - May 2015. Collection method: clinical testing. Allele origin: germline.
Comment: Variant summary: ETFDH c.405+3A>T alters a nucleotide located close to a canonical splice site and therefore could affect mRNA splicing, leading to a significantly altered protein sequence. Several computational tools predict a significant impact on normal splicing: Two predict the variant abolishes a 5 splicing donor site.At least one publication reports experimental evidence that this variant affects mRNA splicing, resulting in a loss of the variant allele transcript (Olsen_2004). The variant allele was found at a frequency of 4e-06 in 250132 control chromosomes. c.405+3A>T has been reported in the literature in individuals affected with multiple acyl-CoA dehydrogenation deficiency (Olsen_2004, Henriques_2019). These data indicate that the variant is likely associated with disease. The following publications have been ascertained in the context of this evaluation (PMID: 15669683, 31418342). ClinVar contains an entry for this variant (Variation ID: 203730). Based on the evidence outlined above, the variant was classified as likely pathogenic.

Baylor Genetics
Classification: Likely pathogenic for Multiple acyl-CoA dehydrogenase deficiency. Last evaluated: 2024-03-19. Review status: criteria provided, single submitter. Criteria: ACMG Guidelines, 2015. Collection method: clinical testing. Allele origin: unknown.

GeneDx
Classification: Pathogenic. Last evaluated: 2020-11-10. Review status: criteria provided, single submitter. Criteria: GeneDx Variant Classification Process June 2021. Collection method: clinical testing. Allele origin: germline. Affected: yes.
Comment: Non-canonical splice site variant demonstrated to result in loss-of-function (PMID 15669683); Not observed at a significant frequency in large population cohorts (Lek et al., 2016); This variant is associated with the following publications: (PMID: 15669683, 25525159, 31418342)

Literature cited by the submitters: PubMed 15669683 (cited by 4 submitters); PubMed 17576681 (cited by Labcorp Genetics (formerly Invitae), Labcorp); PubMed 9536098 (cited by Labcorp Genetics (formerly Invitae), Labcorp); PubMed 31418342 (cited by Dasa and Women's Health and Genetics/Laboratory Corporation of America, LabCorp).

NM_004453.4(ETFDH):c.405+3A>T

Gene: ETFDH (electron transfer flavoprotein dehydrogenase; plus strand). Cytogenetic location: 4q32.1.
Variant type: single nucleotide variant.
Coding change: c.405+3A>T on transcript NM_004453.4 (MANE Select); 3 bases into the intron after coding-DNA position 405, A replaced by T.
Molecular consequence: intron variant.
Genome position (GRCh38, 1-based): chr4:158,682,427, A>T. VCF-style: chr4-158682427-A-T. GRCh37 (hg19) VCF-style: chr4-159603579-A-T.
Other names: c.264+3A>T (NM_001281737.2); c.222+3A>T (NM_001281738.1).
Identifiers: ClinVar variation 203730 (VCV000203730.19), dbSNP rs796051965, ClinGen allele CA312555.
Genomic context (GRCh38, chr4:158,682,427, plus strand): 5'-GGCTTGCCTTGATCCAGGTGCTTTTAAAGAACTCTTCCCAGACTGGAAAGAGAAGGGGGT[A>T]TGAAAAATTGTTTTTTATACAAAGTCTAATCTTTTGTAATTGTATTTCAGTAATTGTTCC-3'